The following is an entry in ClinVar:

ClinVar aggregate classification (germline): Likely pathogenic (1 of 4 stars; one submission).

Conditions:
Autosomal recessive nonsyndromic hearing loss 31. Also called: WHIRLER, MOUSE, HOMOLOG OF. Identifiers: Orphanet 90636, MedGen C1846839, MONDO:0011767, OMIM 607084.
Usher syndrome type 2D. Also called: USHER SYNDROME, TYPE IID. Identifiers: Orphanet 231178, Orphanet 886, MedGen C1568249, MONDO:0012662, OMIM 611383.

gnomAD v4.1: 1 of 1,614,060 alleles (0.000062%); highest among the groups gnomAD compares: Non-Finnish European, 0.000085%; no homozygotes.

Submission:

First Genomix Gene Laboratory, Genetic Diagnostics Department
Classification: Likely pathogenic for Autosomal recessive nonsyndromic hearing loss 31; Usher syndrome type 2D. Last evaluated: 2025-09-19. Review status: criteria provided, single submitter. Criteria: ACMG Guidelines, 2015. Collection method: clinical testing. Allele origin: germline. Inheritance: Autosomal recessive inheritance. Affected: no. Observed: 1 variant allele.

NM_015404.4(WHRN):c.2236+1G>A

Gene: WHRN (whirlin; minus strand). Cytogenetic location: 9q32.
Variant type: single nucleotide variant.
Coding change: c.2236+1G>A on transcript NM_015404.4 (MANE Select); the canonical splice donor site of the intron after coding-DNA position 2236, G replaced by A.
Molecular consequence: splice donor variant.
Genome position (GRCh38, 1-based): chr9:114,406,354, C>T on the plus strand (G>A on the coding strand, the complement: WHRN is on the minus strand). VCF-style: chr9-114406354-C-T. GRCh37 (hg19) VCF-style: chr9-117168634-C-T.
Other names: c.2236+1G>A (NM_001173425.2); c.1087+1G>A (NM_001083885.3); c.1183+1G>A (NM_001346890.1).
Identifiers: ClinVar variation 4850411 (VCV004850411.1).